The following is an entry in ClinVar:

ClinVar aggregate classification (germline): Likely pathogenic (1 of 4 stars; one submission).

Conditions:
Autosomal dominant pseudohypoaldosteronism type 1. Also called: Pseudohypoaldosteronism, Type I, Dominant; PHA I, AUTOSOMAL DOMINANT; Pseudohypoaldosteronism, Type I, Autosomal Dominant. Identifiers: Orphanet 171871, Orphanet 756, MedGen C1449842, MONDO:0008329, OMIM 177735.
Pseudohyperaldosteronism type 2. Identifiers: Orphanet 88660, MedGen C1854631, MONDO:0011517, OMIM 605115.

Submission:

Juno Genomics, Hangzhou Juno Genomics, Inc
Classification: Likely pathogenic for Pseudohyperaldosteronism type 2; Autosomal dominant pseudohypoaldosteronism type 1. Review status: criteria provided, single submitter. Criteria: ACMG Guidelines, 2015. Collection method: clinical testing. Allele origin: germline.
Comment: Absent from controls (or at extremely low frequency if recessive) in Genome Aggregation Database.;Null variant in a gene where loss of function (LOF) is a known mechanism of disease.

NM_000901.5(NR3C2):c.2209dup (p.Ser737fs)

Gene: NR3C2 (nuclear receptor subfamily 3 group C member 2; minus strand). Cytogenetic location: 4q31.23.
Variant type: Duplication.
Coding change: c.2209dup on transcript NM_000901.5 (MANE Select); coding-DNA position 2209, one base duplicated (T; older notation c.2209dupT).
Protein change: p.Ser737fs; shifts the reading frame from serine 737.
Molecular consequence: frameshift variant. On other transcripts: intron variant (2).
Genome position (GRCh38, 1-based): chr4:148,154,707, A duplicated on the plus strand (T on the coding strand, the reverse complement: NR3C2 is on the minus strand); the first of 2 consecutive A bases (chr4:148,154,707-148,154,708); duplicating either gives the same sequence. VCF-style (leftmost placement, unchanged base first): chr4-148154706-G-GA. GRCh37 (hg19) VCF-style: chr4-149075857-G-GA.
Other names: c.2209dup, p.Ser737fs (NM_001437654.1, NM_001437655.1, NM_001437656.1 and 1 more transcripts); c.2221dup, p.Ser741fs (NM_001437657.1); c.2015-2094dup (NM_001354819.1, NM_001166104.2); short protein forms S737fs, S741fs.
Identifiers: ClinVar variation 5018684 (VCV005018684.2).